The following is an entry in ClinVar:

ClinVar aggregate classification (germline): Benign. Review status: criteria provided, multiple submitters, no conflicts (2 of 4 stars). 3 submissions from 3 submitters: Benign (2). 1 of the submissions does not count toward it. Last evaluated 2023-11-27.

Conditions:
Niemann-Pick disease, type A. Also called: Infantile Neurovisceral ASMD (Niemann-Pick Disease Type A; NPD-A); SPHINGOMYELIN LIPIDOSIS; SPHINGOMYELINASE DEFICIENCY. Identifiers: Orphanet 77292, MedGen C0268242, MONDO:0009756, OMIM 257200. Disease mechanism: loss of function.
Niemann-Pick disease, type B. Also called: Chronic Visceral ASMD (Niemann-Pick Disease Type B; NPD-B). Identifiers: Orphanet 77293, MedGen C0268243, MONDO:0011871, OMIM 607616. Disease mechanism: loss of function.

Submissions (3):

Labcorp Genetics (formerly Invitae), Labcorp
Classification: Benign for Niemann-Pick disease, type B; Niemann-Pick disease, type A. Last evaluated: 2023-11-27. Review status: criteria provided, single submitter. Criteria: Invitae Variant Classification Sherloc (09022015). Collection method: clinical testing. Allele origin: germline.

Mayo Clinic Laboratories, Mayo Clinic
Classification: Benign. Last evaluated: 2023-03-01. Review status: criteria provided, single submitter. Criteria: ACMG Guidelines, 2015. Collection method: clinical testing. Allele origin: germline. Observed: 6 variant alleles.
Comment: BA1

Natera, Inc.
Classification: Likely benign for Niemann-Pick Disease, Types A/B. Last evaluated: 2017-08-09. Review status: no assertion criteria provided. Collection method: clinical testing. Allele origin: germline. Not counted in ClinVar's aggregate classification.

NM_000543.5(SMPD1):c.108_109insGCGCTGGCG (p.Val36_Leu37insAlaLeuAla)

Gene: SMPD1 (sphingomyelin phosphodiesterase 1; plus strand). Cytogenetic location: 11p15.4.
Variant type: Insertion.
Coding change: c.108_109insGCGCTGGCG on transcript NM_000543.5 (MANE Select); coding-DNA positions 108 to 109, GCGCTGGCG inserted.
Protein change: p.Val36_Leu37insAlaLeuAla.
Molecular consequence: inframe insertion. On other transcripts: 5 prime UTR variant (1), non-coding transcript variant (2).
Genome position: GRCh38 VCF-style: chr11-6390705-T-TGGCGCTGGC. GRCh37 (hg19) VCF-style: chr11-6411935-T-TGGCGCTGGC.
Other names: p.Val36_Leu37insAlaLeuAla; c.108_109insGCGCTGGCG, p.Val36_Leu37insAlaLeuAla (NM_001007593.3, NM_001318087.2, NM_001365135.2); c.-854_-853insGCGCTGGCG (NM_001318088.2).
Identifiers: ClinVar variation 1170921 (VCV001170921.9), dbSNP rs775568984, ClinGen allele CA5852485.